The following is an entry in ClinVar:

NM_001372.4(DNAH9):c.7147G>A (p.Gly2383Ser)

Gene: DNAH9 (dynein axonemal heavy chain 9; plus strand). Cytogenetic location: 17p12.
Variant type: single nucleotide variant.
Coding change: c.7147G>A on transcript NM_001372.4 (MANE Select); coding-DNA position 7147, G replaced by A.
Protein change: p.Gly2383Ser; replaces glycine 2383 with serine.
Molecular consequence: missense variant.
Genome position (GRCh38, 1-based): chr17:11,763,591, G>A. VCF-style: chr17-11763591-G-A. GRCh37 (hg19) VCF-style: chr17-11666908-G-A.
Other names: c.7147G>A (NM_001372.3); short protein forms G2383S.
Identifiers: ClinVar variation 2397439 (VCV002397439.8), dbSNP rs147904971, ClinGen allele CA8396522.

ClinVar aggregate classification (germline): Uncertain significance. Review status: criteria provided, multiple submitters, no conflicts (2 of 4 stars). 2 submissions from 2 submitters: Uncertain significance (2). Last evaluated 2024-07-30.

Conditions:
Inborn genetic diseases. Identifiers: MedGen C0950123, MeSH D030342.

Allele frequency attached by ClinVar (database versions not stated): gnomAD exomes 0.00001; ExAC 0.00002; gnomAD 0.00006; TOPMed 0.00008; ESP Exome Variant Server 0.00015.
gnomAD v4.1: 30 of 1,613,984 alleles (0.0019%); highest among the groups gnomAD compares: African/African-American, 0.016%; no homozygotes.

Submissions (2):

Ambry Genetics
Classification: Uncertain significance for Inborn genetic diseases. Last evaluated: 2024-07-30. Review status: criteria provided, single submitter. Criteria: Ambry Variant Classification Scheme 2023. Collection method: clinical testing. Allele origin: germline.

Labcorp Genetics (formerly Invitae), Labcorp
Classification: Uncertain significance. Last evaluated: 2022-10-05. Review status: criteria provided, single submitter. Criteria: Invitae Variant Classification Sherloc (09022015). Collection method: clinical testing. Allele origin: germline.
Comment: This variant is present in population databases (rs147904971, gnomAD 0.02%). This sequence change replaces glycine, which is neutral and non-polar, with serine, which is neutral and polar, at codon 2383 of the DNAH9 protein (p.Gly2383Ser). This variant has not been reported in the literature in individuals affected with DNAH9-related conditions. In summary, the available evidence is currently insufficient to determine the role of this variant in disease. Therefore, it has been classified as a Variant of Uncertain Significance. Algorithms developed to predict the effect of sequence changes on RNA splicing suggest that this variant may create or strengthen a splice site. Advanced modeling of protein sequence and biophysical properties (such as structural, functional, and spatial information, amino acid conservation, physicochemical variation, residue mobility, and thermodynamic stability) performed at Invitae indicates that this missense variant is expected to disrupt DNAH9 protein function.